The following is an entry in ClinVar:

NM_000489.6(ATRX):c.1493G>A (p.Arg498Lys)

Gene: ATRX (ATRX chromatin remodeler; minus strand). Cytogenetic location: Xq21.1.
Variant type: single nucleotide variant.
Coding change: c.1493G>A on transcript NM_000489.6 (MANE Select); coding-DNA position 1493, G replaced by A.
Protein change: p.Arg498Lys; replaces arginine 498 with lysine.
Molecular consequence: missense variant.
Genome position (GRCh38, 1-based): chrX:77,683,763, C>T on the plus strand (G>A on the coding strand, the complement: ATRX is on the minus strand). VCF-style: chrX-77683763-C-T. GRCh37 (hg19) VCF-style: chrX-76939255-C-T.
Other names: c.1379G>A, p.Arg460Lys (NM_138270.5); short protein forms R498K, R460K.
Identifiers: ClinVar variation 952595 (VCV000952595.10), dbSNP rs2071391273, ClinGen allele CA413717821.

ClinVar aggregate classification (germline): Uncertain significance (1 of 4 stars; one submission).

Conditions:
Alpha thalassemia-X-linked intellectual disability syndrome (ATRX). Also called: ALPHA-THALASSEMIA/MENTAL RETARDATION SYNDROME, X-LINKED; ATR, NONDELETION TYPE; ATR-X syndrome; Alpha thalassemia mental retardation syndrome, nondeletion type, X-linked; XLMR hypotonic face syndrome; X-linked alpha-thalassemia-mental retardation syndrome. Identifiers: Orphanet 847, MedGen C1845055, MONDO:0010519, OMIM 301040.

Allele frequency attached by ClinVar (database versions not stated): gnomAD exomes below 0.00001.
gnomAD v4.1: 1 of 1,210,813 alleles (0.000083%); highest among the groups gnomAD compares: Non-Finnish European, 0.00011%; no homozygotes.

Submission:

Labcorp Genetics (formerly Invitae), Labcorp
Classification: Uncertain significance for Alpha thalassemia-X-linked intellectual disability syndrome. Last evaluated: 2019-06-13. Review status: criteria provided, single submitter. Criteria: Invitae Variant Classification Sherloc (09022015). Collection method: clinical testing. Allele origin: germline.
Comment: This variant is not present in population databases (ExAC no frequency). This sequence change replaces arginine with lysine at codon 498 of the ATRX protein (p.Arg498Lys). The arginine residue is weakly conserved and there is a small physicochemical difference between arginine and lysine. This variant has not been reported in the literature in individuals with ATRX-related conditions. Algorithms developed to predict the effect of missense changes on protein structure and function output the following: SIFT: "Tolerated"; PolyPhen-2: "Benign"; Align-GVGD: "Class C0". The lysine amino acid residue is found in multiple mammalian species, suggesting that this missense change does not adversely affect protein function. These predictions have not been confirmed by published functional studies and their clinical significance is uncertain. In summary, the available evidence is currently insufficient to determine the role of this variant in disease. Therefore, it has been classified as a Variant of Uncertain Significance.